The following is an entry in ClinVar:

ClinVar aggregate classification (germline): Pathogenic (1 of 4 stars; one submission).

Allele frequency attached by ClinVar (database versions not stated): TOPMed below 0.00001.
gnomAD v4.1: 1 of 1,591,436 alleles (0.000063%); highest among the groups gnomAD compares: African/African-American, 0.0013%; no homozygotes.

Submission:

Labcorp Genetics (formerly Invitae), Labcorp
Classification: Pathogenic. Last evaluated: 2023-04-20. Review status: criteria provided, single submitter. Criteria: Invitae Variant Classification Sherloc (09022015). Collection method: clinical testing. Allele origin: germline.
Comment: For these reasons, this variant has been classified as Pathogenic. This sequence change creates a premature translational stop signal (p.Gln109*) in the DLL3 gene. It is expected to result in an absent or disrupted protein product. Loss-of-function variants in DLL3 are known to be pathogenic (PMID: 12746394). This variant is not present in population databases (gnomAD no frequency). This variant has not been reported in the literature in individuals affected with DLL3-related conditions. Algorithms developed to predict the effect of sequence changes on RNA splicing suggest that this variant may disrupt the consensus splice site.

Literature cited by the submitters: PubMed 12746394.

NM_203486.3(DLL3):c.325C>T (p.Gln109Ter)

Gene: DLL3 (delta like canonical Notch ligand 3; plus strand). Cytogenetic location: 19q13.2.
Variant type: single nucleotide variant.
Coding change: c.325C>T on transcript NM_203486.3 (MANE Select); coding-DNA position 325, C replaced by T.
Protein change: p.Gln109Ter; replaces glutamine 109 with a stop codon.
Molecular consequence: nonsense.
Genome position (GRCh38, 1-based): chr19:39,499,447, C>T. VCF-style: chr19-39499447-C-T. GRCh37 (hg19) VCF-style: chr19-39990087-C-T.
Other names: c.325C>T, p.Gln109Ter (NM_016941.4); short protein forms Q109*.
Identifiers: ClinVar variation 2958779 (VCV002958779.3), dbSNP rs2079597067, ClinGen allele CA405794184.
Genomic context (GRCh38, chr19:39,499,447, plus strand): 5'-GTCTACACCGAGCAGCCCGGAGCGCCCGCGCCTGATCTCCCACTGCCCGACGGCCTCTTG[C>T]AGGTGCCCTTCCGGGACGCCTGGCCTGTAAGTGCTGCCCCCGGGGGACTCCCGGTGCTGG-3'